The following is an entry in ClinVar:

ClinVar aggregate classification (germline): Benign/Likely benign. Review status: criteria provided, multiple submitters, no conflicts (2 of 4 stars). 13 submissions from 13 submitters: Benign (6); Likely benign (6). 1 of the submissions does not count toward it. Last evaluated 2026-02-01.

Conditions:
BAP1-related disorder. Also called: BAP1-related condition.
BAP1-related tumor predisposition syndrome (TPDS1). Also called: BAP1 tumor predisposition syndrome; Tumor susceptibility linked to germline BAP1 mutations; COMMON Syndrome; TUMOR PREDISPOSITION SYNDROME 1. Identifiers: Orphanet 289539, MedGen C3280492, MONDO:0013692, OMIM 614327.
Kury-Isidor syndrome (KURIS). Identifiers: MedGen C5676925, MONDO:0859230, OMIM 619762.
Melanoma, uveal, susceptibility to, 2 (UVM2). Also called: Melanoma, uveal 2. Identifiers: Orphanet 39044, MedGen C1847723, MONDO:0011696, OMIM 606661.
Hereditary cancer-predisposing syndrome. Also called: Tumor predisposition; Hereditary Cancer Syndrome; Neoplastic Syndromes, Hereditary; Hereditary neoplastic syndrome. Identifiers: Orphanet 140162, MedGen C0027672, MeSH D009386, MONDO:0015356.

Allele frequency attached by ClinVar (database versions not stated): gnomAD 0.00016 and 0.00025; gnomAD exomes 0.00024 and 0.00042; TOPMed 0.00033; ExAC 0.00048; 1000 Genomes Project 30x 0.00078; 1000 Genomes Project 0.00100.
gnomAD v4.1: 383 of 1,614,182 alleles (0.024%); highest among the groups gnomAD compares: East Asian, 0.81%; 1 homozygote.

Submissions (15):

Labcorp Genetics (formerly Invitae), Labcorp
Classification: Benign for BAP1-related tumor predisposition syndrome. Last evaluated: 2026-02-01. Review status: criteria provided, single submitter. Criteria: Invitae Variant Classification Sherloc (09022015). Collection method: clinical testing. Allele origin: germline.

CeGaT Center for Human Genetics Tuebingen
Classification: Likely benign. Last evaluated: 2025-05-01. Review status: criteria provided, single submitter. Criteria: CeGaT Center For Human Genetics Tuebingen Variant Classification Criteria Version 2. Collection method: clinical testing. Allele origin: germline. Affected: yes. Observed: 2 variant alleles.
Comment: BAP1: BS1

Center for Genomic Medicine, Rigshospitalet, Copenhagen University Hospital
Classification: Likely benign. Last evaluated: 2025-03-04. Review status: criteria provided, single submitter. Criteria: ACMG Guidelines, 2015. Collection method: clinical testing. Allele origin: germline.

KCCC/NGS Laboratory, Kuwait Cancer Control Center
Classification: Benign for BAP1-related tumor predisposition syndrome. Last evaluated: 2025-02-01. Review status: criteria provided, single submitter. Criteria: ACMG Guidelines, 2015. Collection method: clinical testing. Allele origin: germline. Affected: no.

Blueprint Genetics
Classification: Likely benign. Last evaluated: 2024-09-19. Review status: criteria provided, single submitter. Criteria: ACMG Guidelines, 2015. Collection method: clinical testing. Allele origin: germline.

Myriad Genetics, Inc.
Classification: Benign for BAP1-related tumor predisposition syndrome. Last evaluated: 2024-07-12. Review status: criteria provided, single submitter. Criteria: Myriad Autosomal Dominant, Autosomal Recessive and X-Linked Classification Criteria (2023). Collection method: clinical testing. Allele origin: unknown.
Comment: This variant is considered benign. This variant is a silent/synonymous amino acid change and it is not expected to impact splicing.

Department of Pathology and Laboratory Medicine, Sinai Health System
Classification: Likely benign for Melanoma, uveal, susceptibility to, 2; BAP1-related tumor predisposition syndrome; Kury-Isidor syndrome. Last evaluated: 2022-06-28. Review status: criteria provided, single submitter. Criteria: ACMG Guidelines, 2015. Collection method: clinical testing. Allele origin: germline. Affected: yes.

Sema4
Classification: Benign for Hereditary cancer-predisposing syndrome. Last evaluated: 2021-02-13. Review status: criteria provided, single submitter. Criteria: Sema4 Curation Guidelines. Collection method: curation. Allele origin: germline.

GeneDx
Classification: Likely benign. Last evaluated: 2018-12-03. Review status: criteria provided, single submitter. Criteria: GeneDx Variant Classification Process June 2021. Collection method: clinical testing. Allele origin: germline. Affected: yes.

Illumina Laboratory Services, Illumina
Classification: Benign for BAP1-related tumor predisposition syndrome. Last evaluated: 2018-01-12. Review status: criteria provided, single submitter. Criteria: ICSL Variant Classification Criteria 13 December 2019. Collection method: clinical testing. Allele origin: germline.
Comment: This variant was observed in the ICSL laboratory as part of a predisposition screen in an ostensibly healthy population. It had not been previously curated by ICSL or reported in the Human Gene Mutation Database (HGMD: prior to June 1st, 2018), and was therefore a candidate for classification through an automated scoring system. Utilizing variant allele frequency, disease prevalence and penetrance estimates, and inheritance mode, an automated score was calculated to assess if this variant is too frequent to cause the disease. Based on the score and internal cut-off values, a variant classified as benign is not then subjected to further curation. The score for this variant resulted in a classification of benign for this disease.

Color Diagnostics, LLC DBA Color Health
Classification: Benign for Hereditary cancer-predisposing syndrome. Last evaluated: 2016-05-18. Review status: criteria provided, single submitter. Criteria: ACMG Guidelines, 2015. Collection method: clinical testing. Allele origin: germline.

Ambry Genetics
Classification: Likely benign for Hereditary cancer-predisposing syndrome. Last evaluated: 2015-10-28. Review status: criteria provided, single submitter. Criteria: Ambry Variant Classification Scheme 2023. Collection method: clinical testing. Allele origin: germline.

PreventionGenetics, part of Exact Sciences
Classification: Benign for BAP1-related condition. Last evaluated: 2019-04-12. Review status: no assertion criteria provided. Collection method: clinical testing. Allele origin: germline. Not counted in ClinVar's aggregate classification.
Comment: This variant is classified as benign based on ACMG/AMP sequence variant interpretation guidelines (Richards et al. 2015 PMID: 25741868, with internal and published modifications).

Dr. Peter K. Rogan Lab, Western University
No classification provided (evidence only). Condition: Hepatocellular carcinoma. Review status: no classification provided. Collection method: in vitro. Allele origin: not applicable. Functional consequence: retained intron. Not counted in ClinVar's aggregate classification.

Dr. Peter K. Rogan Lab, Western University
No classification provided (evidence only). Condition: Malignant tumor of esophagus. Review status: no classification provided. Collection method: in vitro. Allele origin: not applicable. Functional consequence: retained intron. Not counted in ClinVar's aggregate classification.

NM_004656.4(BAP1):c.534C>T (p.Gly178=)

Gene: BAP1 (BRCA1 associated deubiquitinase 1; minus strand). Cytogenetic location: 3p21.1.
Variant type: single nucleotide variant.
Coding change: c.534C>T on transcript NM_004656.4 (MANE Select); coding-DNA position 534, C replaced by T.
Protein change: p.Gly178=; no amino-acid change (glycine 178 retained).
Molecular consequence: synonymous variant.
Genome position (GRCh38, 1-based): chr3:52,407,220, G>A on the plus strand (C>T on the coding strand, the complement: BAP1 is on the minus strand). VCF-style: chr3-52407220-G-A. GRCh37 (hg19) VCF-style: chr3-52441236-G-A.
Other names: c.534C>T (LRG_529t1).
Identifiers: ClinVar variation 240062 (VCV000240062.53), dbSNP rs200285587, ClinGen allele CA2437060.